The following is an entry in ClinVar:

ClinVar aggregate classification (germline): Uncertain significance. Review status: criteria provided, multiple submitters, no conflicts (2 of 4 stars). 2 submissions from 2 submitters: Uncertain significance (2). Last evaluated 2026-08-01.

Conditions:
Combined immunodeficiency due to STIM1 deficiency. Also called: IMMUNODEFICIENCY 10; STIM1 DEFICIENCY. Identifiers: Orphanet 169090, Orphanet 317430, MedGen C2748557, MONDO:0013008, OMIM 612783.
Myopathy with tubular aggregates (TAM). Also called: Tubular Aggregate Myopathy. Identifiers: Orphanet 2593, MedGen C0410207, MONDO:0008051.
Stormorken syndrome (STRMK). Also called: THROMBOCYTOPATHY, ASPLENIA, AND MIOSIS. Identifiers: Orphanet 3204, MedGen C1861451, MONDO:0008497, OMIM 185070.

gnomAD v4.1: 15 of 1,614,204 alleles (0.00093%); highest among the groups gnomAD compares: Non-Finnish European, 0.0012%; no homozygotes.

Submissions (2):

CeGaT Center for Human Genetics Tuebingen
Classification: Uncertain significance. Last evaluated: 2026-08-01. Review status: criteria provided, single submitter. Criteria: CeGaT Center For Human Genetics Tuebingen Variant Classification Criteria Version 2. Collection method: clinical testing. Allele origin: germline. Affected: yes. Observed: 1 variant allele.
Comment: STIM1: PM2

Labcorp Genetics (formerly Invitae), Labcorp
Classification: Uncertain significance for Myopathy with tubular aggregates; Combined immunodeficiency due to STIM1 deficiency; Stormorken syndrome. Last evaluated: 2025-08-03. Review status: criteria provided, single submitter. Criteria: Invitae Variant Classification Sherloc (09022015). Collection method: clinical testing. Allele origin: germline.
Comment: This sequence change replaces aspartic acid, which is acidic and polar, with alanine, which is neutral and non-polar, at codon 89 of the STIM1 protein (p.Asp89Ala). This variant is present in population databases (rs773255654, gnomAD 0.002%). This variant has not been reported in the literature in individuals affected with STIM1-related conditions. Invitae Evidence Modeling of protein sequence and biophysical properties (such as structural, functional, and spatial information, amino acid conservation, physicochemical variation, residue mobility, and thermodynamic stability) has been performed for this missense variant. However, the output from this modeling did not meet the statistical confidence thresholds required to predict the impact of this variant on STIM1 protein function. In summary, the available evidence is currently insufficient to determine the role of this variant in disease. Therefore, it has been classified as a Variant of Uncertain Significance.

NM_001382567.1(STIM1):c.266A>C (p.Asp89Ala)

Gene: STIM1 (stromal interaction molecule 1; plus strand). Cytogenetic location: 11p15.4.
Variant type: single nucleotide variant.
Coding change: c.266A>C on transcript NM_001382567.1 (MANE Select); coding-DNA position 266, A replaced by C.
Protein change: p.Asp89Ala; replaces aspartic acid 89 with alanine.
Molecular consequence: missense variant. On other transcripts: intron variant (4), non-coding transcript variant (3).
Genome position (GRCh38, 1-based): chr11:3,967,678, A>C. VCF-style: chr11-3967678-A-C. GRCh37 (hg19) VCF-style: chr11-3988908-A-C.
Other names: c.266A>C, p.Asp89Ala (NM_001277961.3, NM_001277962.2, NM_001382568.1 and 3 more transcripts); c.44A>C, p.Asp15Ala (NM_001382566.1, NM_001382573.1, NM_001382574.1 and 5 more transcripts); c.-98-56195A>C (NM_001382571.1); c.-219-56195A>C (NM_001382580.1, NM_001382581.1); c.136-56195A>C (NM_001382569.1); short protein forms D89A, D15A.
Identifiers: ClinVar variation 4790064 (VCV004790064.2).